The following is an entry in ClinVar:

ClinVar aggregate classification (germline): Uncertain significance. Review status: criteria provided, multiple submitters, no conflicts (2 of 4 stars). 2 submissions from 2 submitters: Uncertain significance (2). Last evaluated 2024-12-31.

Conditions:
Arrhythmogenic right ventricular dysplasia 5. Also called: Arrhythmogenic Right Ventricular Dysplasia/Cardiomyopathy 5; ARRHYTHMOGENIC RIGHT VENTRICULAR DYSPLASIA, FAMILIAL, 5. Identifiers: MedGen C1858379, MONDO:0011459, OMIM 604400.

Allele frequency attached by ClinVar (database versions not stated): gnomAD 0.00001.
gnomAD v4.1: 1 of 1,614,126 alleles (0.000062%); highest among the groups gnomAD compares: African/African-American, 0.0013%; no homozygotes.

Submissions (2):

GeneDx
Classification: Uncertain significance. Last evaluated: 2024-12-31. Review status: criteria provided, single submitter. Criteria: GeneDx Variant Classification Process June 2021. Collection method: clinical testing. Allele origin: germline. Affected: yes.
Comment: Not observed at significant frequency in large population cohorts (gnomAD); In silico analysis supports that this missense variant has a deleterious effect on protein structure/function; Has not been previously published as pathogenic or benign to our knowledge

Labcorp Genetics (formerly Invitae), Labcorp
Classification: Uncertain significance for Arrhythmogenic right ventricular dysplasia 5. Last evaluated: 2023-03-01. Review status: criteria provided, single submitter. Criteria: Invitae Variant Classification Sherloc (09022015). Collection method: clinical testing. Allele origin: germline.
Comment: In summary, the available evidence is currently insufficient to determine the role of this variant in disease. Therefore, it has been classified as a Variant of Uncertain Significance. Advanced modeling of protein sequence and biophysical properties (such as structural, functional, and spatial information, amino acid conservation, physicochemical variation, residue mobility, and thermodynamic stability) performed at Invitae indicates that this missense variant is expected to disrupt TMEM43 protein function. This variant has not been reported in the literature in individuals affected with TMEM43-related conditions. This variant is present in population databases (no rsID available, gnomAD 0.007%). This sequence change replaces glycine, which is neutral and non-polar, with valine, which is neutral and non-polar, at codon 315 of the TMEM43 protein (p.Gly315Val).

NM_024334.3(TMEM43):c.944G>T (p.Gly315Val)

Gene: TMEM43 (transmembrane protein 43; plus strand). Cytogenetic location: 3p25.1.
Variant type: single nucleotide variant.
Coding change: c.944G>T on transcript NM_024334.3 (MANE Select); coding-DNA position 944, G replaced by T.
Protein change: p.Gly315Val; replaces glycine 315 with valine.
Molecular consequence: missense variant.
Genome position (GRCh38, 1-based): chr3:14,139,241, G>T. VCF-style: chr3-14139241-G-T. GRCh37 (hg19) VCF-style: chr3-14180741-G-T.
Other names: c.947G>T, p.Gly316Val (NM_001407274.1); c.941G>T, p.Gly314Val (NM_001407275.1, NM_001407276.1); c.938G>T, p.Gly313Val (NM_001407277.1); c.929G>T, p.Gly310Val (NM_001407278.1); c.869G>T, p.Gly290Val (NM_001407279.1); c.794G>T, p.Gly265Val (NM_001407280.1); short protein forms G265V, G316V, G313V, G314V, G310V, G290V, G315V.
Identifiers: ClinVar variation 2803161 (VCV002803161.4), dbSNP rs1175798316, ClinGen allele CA351536207.
Genomic context (GRCh38, chr3:14,139,241, plus strand): 5'-AGGTGTTTCATAGAGAACTAAGGAGCAACTCCATGAAGACCTGGGGCCTGCGGGCAGCTG[G>T]CTGGATGGCCATGTTCATGGGCCTCAACCTTATGACACGGATCCTCTACACCTTGGGTAG-3'
Protein context (NP_077310.1, residues 305-325): SMKTWGLRAA[Gly315Val]WMAMFMGLNL